The following is an entry in ClinVar:

ClinVar aggregate classification (germline): Likely benign. Review status: criteria provided, single submitter (1 of 4 stars). 2 submissions from 2 submitters: Likely benign (1). 1 of the submissions does not count toward it. Last evaluated 2025-07-14.

Conditions:
FOCAD-related disorder. Also called: FOCAD-related condition.

Allele frequency attached by ClinVar (database versions not stated): ExAC 0.00015; gnomAD 0.00007; ESP Exome Variant Server 0.00008; gnomAD exomes 0.00008; TOPMed 0.00009.
gnomAD v4.1: 124 of 1,612,180 alleles (0.0077%); highest among the groups gnomAD compares: Non-Finnish European, 0.01%; no homozygotes.

Submissions (2):

Labcorp Genetics (formerly Invitae), Labcorp
Classification: Likely benign. Last evaluated: 2025-07-14. Review status: criteria provided, single submitter. Criteria: Invitae Variant Classification Sherloc (09022015). Collection method: clinical testing. Allele origin: germline.

PreventionGenetics, part of Exact Sciences
Classification: Likely benign for FOCAD-related condition. Last evaluated: 2019-08-09. Review status: no assertion criteria provided. Collection method: clinical testing. Allele origin: germline. Not counted in ClinVar's aggregate classification.
Comment: This variant is classified as likely benign based on ACMG/AMP sequence variant interpretation guidelines (Richards et al. 2015 PMID: 25741868, with internal and published modifications).

NM_001375567.1(FOCAD):c.3877-10A>C

Gene: FOCAD (focadhesin; plus strand). Cytogenetic location: 9p21.3.
Variant type: single nucleotide variant.
Coding change: c.3877-10A>C on transcript NM_001375567.1 (MANE Select); 10 bases into the intron before coding-DNA position 3877, A replaced by C.
Molecular consequence: intron variant.
Genome position (GRCh38, 1-based): chr9:20,949,594, A>C. VCF-style: chr9-20949594-A-C. GRCh37 (hg19) VCF-style: chr9-20949593-A-C.
Other names: c.3877-10A>C (NM_017794.5, NM_017794.4); c.3772-10A>C (NM_001375568.1, NM_001375570.1).
Identifiers: ClinVar variation 2889131 (VCV002889131.5), dbSNP rs368623482, ClinGen allele CA5007737.